The following is an entry in ClinVar:

ClinVar aggregate classification (germline): Pathogenic (1 of 4 stars; one submission).

Submission:

Quest Diagnostics Nichols Institute San Juan Capistrano
Classification: Pathogenic. Last evaluated: 2024-07-23. Review status: criteria provided, single submitter. Criteria: Quest Diagnostics criteria. Collection method: clinical testing. Allele origin: unknown.
Comment: The DICER1 c.1152dup (p.Arg385Thrfs*4) variant alters the translational reading frame of the DICER1 mRNA and causes the premature termination of DICER1 protein synthesis. To the best of our knowledge, this variant has not been reported in the published literature. It also has not been reported in large, multi-ethnic general populations (Genome Aggregation Database). The provided clinical features of an individual in our internal patient population who carried this variant are consistent with disease associated with this gene. Based on the available information, this variant is classified as pathogenic.

NM_177438.3(DICER1):c.1152dup (p.Arg385fs)

Gene: DICER1 (dicer 1, ribonuclease III; minus strand). Cytogenetic location: 14q32.13.
Variant type: Duplication.
Coding change: c.1152dup on transcript NM_177438.3 (MANE Select); coding-DNA position 1152, one base duplicated (A; older notation c.1152dupA).
Protein change: p.Arg385fs; shifts the reading frame from arginine 385.
Molecular consequence: frameshift variant. On other transcripts: 5 prime UTR variant (1), non-coding transcript variant (6).
Genome position (GRCh38, 1-based): chr14:95,124,420, T duplicated on the plus strand (A on the coding strand, the reverse complement: DICER1 is on the minus strand). VCF-style (leftmost placement, unchanged base first): chr14-95124419-G-GT. GRCh37 (hg19) VCF-style: chr14-95590756-G-GT.
Other names: c.1152dup, p.Arg385fs (NM_001195573.1, NM_001271282.3, NM_001291628.2 and 14 more transcripts); c.870dup, p.Arg291fs (NM_001395686.1); c.747dup, p.Arg250fs (NM_001395687.1, NM_001395688.1, NM_001395689.1 and 3 more transcripts); c.585dup, p.Arg196fs (NM_001395691.1); c.-417dup (NM_001395697.1); short protein forms R291fs, R385fs, R196fs, R250fs.
Identifiers: ClinVar variation 3572327 (VCV003572327.1).